The following is an entry in ClinVar:

ClinVar aggregate classification (germline): Uncertain significance (1 of 4 stars; one submission).

Conditions:
CEP290-related disorder. Also called: CEP290-related disorders; CEP290-related condition. Identifiers: MedGen CN239314.

gnomAD v4.1: 1 of 1,565,200 alleles (0.000064%); highest among the groups gnomAD compares: African/African-American, 0.0014%; no homozygotes.

Submission:

PreventionGenetics, part of Exact Sciences
Classification: Uncertain significance for CEP290-related condition. Last evaluated: 2025-01-13. Review status: criteria provided, single submitter. Criteria: ACMG Guidelines, 2015. Collection method: clinical testing. Allele origin: germline.
Comment: The CEP290 c.4452A>T variant is predicted to result in the amino acid substitution p.Lys1484Asn. To our knowledge, this variant has not been reported in the literature or in a large population database (gnomAD), indicating this variant is rare. At this time, the clinical significance of this variant is uncertain due to the absence of conclusive functional and genetic evidence.

NM_025114.4(CEP290):c.4452A>T (p.Lys1484Asn)

Gene: CEP290 (centrosomal protein 290; minus strand). Cytogenetic location: 12q21.32.
Variant type: single nucleotide variant.
Coding change: c.4452A>T on transcript NM_025114.4 (MANE Select); coding-DNA position 4452, A replaced by T.
Protein change: p.Lys1484Asn; replaces lysine 1484 with asparagine.
Molecular consequence: missense variant.
Genome position (GRCh38, 1-based): chr12:88,084,838, T>A on the plus strand (A>T on the coding strand, the complement: CEP290 is on the minus strand). VCF-style: chr12-88084838-T-A. GRCh37 (hg19) VCF-style: chr12-88478615-T-A.
Other names: short protein forms K1484N.
Identifiers: ClinVar variation 4998452 (VCV004998452.1).